The following is an entry in ClinVar:

ClinVar aggregate classification (germline): Likely benign. Review status: criteria provided, multiple submitters, no conflicts (2 of 4 stars). 5 submissions from 5 submitters: Likely benign (4). 1 of the submissions does not count toward it. Last evaluated 2026-01-25.

Conditions:
SLC34A3-related disorder. Also called: SLC34A3-related condition.
Autosomal recessive hypophosphatemic bone disease (HHRH). Also called: Hypophosphatemic rickets with hypercalciuria; HYPERCALCIURIC RICKETS. Identifiers: Orphanet 157215, MedGen C1853271, MONDO:0009431, OMIM 241530.

Allele frequency attached by ClinVar (database versions not stated): 1000 Genomes Project 30x 0.00031; ExAC 0.00037; gnomAD exomes 0.00038; gnomAD 0.00039 and 0.00041; 1000 Genomes Project 0.00040; TOPMed 0.00045; ESP Exome Variant Server 0.00054.

Submissions (5):

Labcorp Genetics (formerly Invitae), Labcorp
Classification: Likely benign. Last evaluated: 2026-01-25. Review status: criteria provided, single submitter. Criteria: Invitae Variant Classification Sherloc (09022015). Collection method: clinical testing. Allele origin: germline.

Women's Health and Genetics/Laboratory Corporation of America, LabCorp
Classification: Likely benign. Last evaluated: 2026-01-06. Review status: criteria provided, single submitter. Criteria: LabCorp Variant Classification Summary - May 2015. Collection method: clinical testing. Allele origin: germline.

Blueprint Genetics
Classification: Likely benign. Last evaluated: 2024-01-19. Review status: criteria provided, single submitter. Criteria: ACMG Guidelines, 2015. Collection method: clinical testing. Allele origin: germline.

Fulgent Genetics
Classification: Likely benign for Autosomal recessive hypophosphatemic bone disease. Last evaluated: 2021-07-09. Review status: criteria provided, single submitter. Criteria: ACMG Guidelines, 2015. Collection method: clinical testing. Allele origin: unknown.

PreventionGenetics, part of Exact Sciences
Classification: Likely benign for SLC34A3-related condition. Last evaluated: 2024-05-31. Review status: no assertion criteria provided. Collection method: clinical testing. Allele origin: germline. Not counted in ClinVar's aggregate classification.
Comment: This variant is classified as likely benign based on ACMG/AMP sequence variant interpretation guidelines (Richards et al. 2015 PMID: 25741868, with internal and published modifications).

NM_001177316.2(SLC34A3):c.1191G>A (p.Ala397=)

Gene: SLC34A3 (solute carrier family 34 member 3; plus strand). Cytogenetic location: 9q34.3.
Variant type: single nucleotide variant.
Coding change: c.1191G>A on transcript NM_001177316.2 (MANE Select); coding-DNA position 1191, G replaced by A.
Protein change: p.Ala397=; no amino-acid change (alanine 397 retained).
Molecular consequence: synonymous variant.
Genome position (GRCh38, 1-based): chr9:137,234,513, G>A. VCF-style: chr9-137234513-G-A. GRCh37 (hg19) VCF-style: chr9-140128965-G-A.
Other names: c.1191G>A, p.Ala397= (NM_001177317.2, NM_080877.3).
Identifiers: ClinVar variation 741368 (VCV000741368.15), dbSNP rs199701166, ClinGen allele CA5364830.
Genomic context (GRCh38, chr9:137,234,513, plus strand): 5'-GGCCGTCCTCGCGGGCGCCGGCCTGACCTTCGCACTGCAGAGCAGCAGCGTCTTCACGGC[G>A]GCCGTCGTGCCCCTCATGGGTGAGCAGGCAGGACAGAGGCCTCGGGAACGGGGGCTCGGG-3'
Protein context (NP_001170787.2, residues 387-407): FALQSSSVFT[Ala397=]AVVPLMGVGV